The following is an entry in ClinVar:

NM_000059.4(BRCA2):c.7007+3A>C

Gene: BRCA2 (BRCA2 DNA repair associated; plus strand). Cytogenetic location: 13q13.1.
Variant type: single nucleotide variant.
Coding change: c.7007+3A>C on transcript NM_000059.4 (MANE Select); 3 bases into the intron after coding-DNA position 7007, A replaced by C.
Molecular consequence: intron variant.
Genome position (GRCh38, 1-based): chr13:32,346,899, A>C. VCF-style: chr13-32346899-A-C. GRCh37 (hg19) VCF-style: chr13-32921036-A-C.
Other names: c.7007+3A>C (NM_000059.3).
Identifiers: ClinVar variation 2093483 (VCV002093483.6), dbSNP rs2548537136, ClinGen allele CA2580087339.
Genomic context (GRCh38, chr13:32,346,899, plus strand): 5'-ATCGAAGATTGTTTATGCATCATGTTTCTTTAGAGCCGATTACCTGTGTACCCTTTCGGT[A>C]AGACATGTTTAAATTTTTCTAAATTCTAATACAGTATGAGAAAAGTCTCGTTTTTATAAA-3'

ClinVar aggregate classification (germline): Uncertain significance. Review status: criteria provided, multiple submitters, no conflicts (2 of 4 stars). 2 submissions from 2 submitters: Uncertain significance (2). Last evaluated 2025-11-24.

Conditions:
Hereditary cancer-predisposing syndrome. Also called: Hereditary neoplastic syndrome; Neoplastic Syndromes, Hereditary; Tumor predisposition; Hereditary Cancer Syndrome. Identifiers: Orphanet 140162, MedGen C0027672, MeSH D009386, MONDO:0015356.
Hereditary breast ovarian cancer syndrome. Also called: Hereditary breast and/or ovarian cancer syndrome; Hereditary breast and ovarian cancer syndrome; Hereditary breast and ovarian cancer; Hereditary breast and ovarian cancer syndrome (HBOC); Breast and ovarian cancer; BRCA1- and BRCA2-Associated Hereditary Breast and Ovarian Cancer. Identifiers: Orphanet 145, MedGen C0677776, MeSH D061325, MONDO:0003582. Disease mechanism: loss of function.

Submissions (2):

Ambry Genetics
Classification: Uncertain significance for Hereditary cancer-predisposing syndrome. Last evaluated: 2025-11-24. Review status: criteria provided, single submitter. Criteria: Ambry Variant Classification Scheme 2023. Collection method: clinical testing. Allele origin: germline.
Comment: The c.7007+3A>C intronic variant results from an A to C substitution 3 nucleotides after coding exon 12 in the BRCA2 gene. This nucleotide position is well conserved in available vertebrate species. In silico splice site analysis predicts that this alteration will weaken the native splice donor site. RNA studies have demonstrated that this alteration results in a splice defect; the clinical impact of this abnormal splicing is unknown at this time (Ambry internal data). Based on the available evidence, the clinical significance of this variant remains unclear.

Labcorp Genetics (formerly Invitae), Labcorp
Classification: Uncertain significance for Hereditary breast ovarian cancer syndrome. Last evaluated: 2022-04-16. Review status: criteria provided, single submitter. Criteria: Invitae Variant Classification Sherloc (09022015). Collection method: clinical testing. Allele origin: germline.
Comment: In summary, the available evidence is currently insufficient to determine the role of this variant in disease. Therefore, it has been classified as a Variant of Uncertain Significance. Variants that disrupt the consensus splice site are a relatively common cause of aberrant splicing (PMID: 17576681, 9536098). Studies have shown that this variant results in skipping of exon 13 or exons 12-13 and introduces a premature termination codon (Invitae). The resulting mRNA is expected to undergo nonsense-mediated decay. This variant has not been reported in the literature in individuals affected with BRCA2-related conditions. This variant is not present in population databases (gnomAD no frequency). This sequence change falls in intron 13 of the BRCA2 gene. It does not directly change the encoded amino acid sequence of the BRCA2 protein. RNA analysis indicates that this variant induces altered splicing and may result in an absent or disrupted protein product.

Literature cited by the submitters: PubMed 17576681 (cited by Labcorp Genetics (formerly Invitae), Labcorp); PubMed 9536098 (cited by Labcorp Genetics (formerly Invitae), Labcorp).